The following is an entry in ClinVar:

ClinVar aggregate classification (germline): Likely benign (1 of 4 stars; one submission).

Allele frequency attached by ClinVar (database versions not stated): ExAC 0.00005; TOPMed 0.00008; gnomAD 0.00009; ESP Exome Variant Server 0.00031.
gnomAD v4.1: 149 of 1,614,036 alleles (0.0092%); highest among the groups gnomAD compares: Non-Finnish European, 0.012%; no homozygotes.

Submission:

CeGaT Center for Human Genetics Tuebingen
Classification: Likely benign. Last evaluated: 2022-07-01. Review status: criteria provided, single submitter. Criteria: CeGaT Center For Human Genetics Tuebingen Variant Classification Criteria Version 2. Collection method: clinical testing. Allele origin: germline. Affected: yes. Observed: 1 variant allele.
Comment: SLIT3: BP4, BP7

NM_003062.4(SLIT3):c.855G>A (p.Thr285=)

Gene: SLIT3 (slit guidance ligand 3; minus strand). Cytogenetic location: 5q34.
Variant type: single nucleotide variant.
Coding change: c.855G>A on transcript NM_003062.4 (MANE Select); coding-DNA position 855, G replaced by A.
Protein change: p.Thr285=; no amino-acid change (threonine 285 retained).
Molecular consequence: synonymous variant.
Genome position (GRCh38, 1-based): chr5:168,806,526, C>T on the plus strand (G>A on the coding strand, the complement: SLIT3 is on the minus strand). VCF-style: chr5-168806526-C-T. GRCh37 (hg19) VCF-style: chr5-168233531-C-T.
Other names: c.855G>A, p.Thr285= (NM_001271946.2).
Identifiers: ClinVar variation 2656063 (VCV002656063.24), dbSNP rs367972639, ClinGen allele CA3551971.
Genomic context (GRCh38, chr5:168,806,526, plus strand): 5'-CAAGTTGGCAGGAATCTCCATCAAGCCCTTTCCTCGACAGTCCACGATGTTATTGCTGCA[C>T]GTGCAGGGCGAAGGGCAGGAGATGGAGTTGGCATTGCAGGATGGGGGCTCCGAGTGGGGG-3'
Protein context (NP_003053.2, residues 275-295): ANSISCPSPC[Thr285=]CSNNIVDCRG